The following is an entry in ClinVar:

ClinVar aggregate classification (germline): Uncertain significance (1 of 4 stars; one submission).

Conditions:
Hereditary cancer-predisposing syndrome. Also called: Neoplastic Syndromes, Hereditary; Tumor predisposition; Hereditary Cancer Syndrome; Hereditary neoplastic syndrome. Identifiers: Orphanet 140162, MedGen C0027672, MeSH D009386, MONDO:0015356.

Submission:

Ambry Genetics
Classification: Uncertain significance for Hereditary cancer-predisposing syndrome. Last evaluated: 2022-07-02. Review status: criteria provided, single submitter. Criteria: Ambry Variant Classification Scheme 2023. Collection method: clinical testing. Allele origin: germline.
Comment: The p.I552F variant (also known as c.1654A>T), located in coding exon 11 of the BRIP1 gene, results from an A to T substitution at nucleotide position 1654. The isoleucine at codon 552 is replaced by phenylalanine, an amino acid with highly similar properties. This amino acid position is conserved. In addition, the in silico prediction for this alteration is inconclusive. Since supporting evidence is limited at this time, the clinical significance of this alteration remains unclear.

NM_032043.3(BRIP1):c.1654A>T (p.Ile552Phe)

Gene: BRIP1 (BRCA1 interacting DNA helicase 1; minus strand). Cytogenetic location: 17q23.2.
Variant type: single nucleotide variant.
Coding change: c.1654A>T on transcript NM_032043.3 (MANE Select); coding-DNA position 1654, A replaced by T.
Protein change: p.Ile552Phe; replaces isoleucine 552 with phenylalanine.
Molecular consequence: missense variant.
Genome position (GRCh38, 1-based): chr17:61,780,980, T>A on the plus strand (A>T on the coding strand, the complement: BRIP1 is on the minus strand). VCF-style: chr17-61780980-T-A. GRCh37 (hg19) VCF-style: chr17-59858341-T-A.
Other names: short protein forms I552F.
Identifiers: ClinVar variation 1777314 (VCV001777314.2), dbSNP rs1603334819, ClinGen allele CA400480537.